The following is an entry in ClinVar:

ClinVar aggregate classification (germline): Likely pathogenic (1 of 4 stars; one submission).

Conditions:
Familial dysautonomia. Also called: HSAN III; FD. Identifiers: Orphanet 1764, MedGen C0013364, MONDO:0009131, OMIM 223900. Disease mechanism: loss of function.

Submission:

Myriad Genetics, Inc.
Classification: Likely pathogenic for Familial dysautonomia. Last evaluated: 2022-01-02. Review status: criteria provided, single submitter. Criteria: Myriad Women's Health Autosomal Recessive and X-Linked Classification Criteria (2021). Collection method: clinical testing. Allele origin: unknown.
Comment: NM_003640.3(ELP1):c.1780A>T(K594*) is expected to be pathogenic in the context of familial dysautonomia. This variant is predicted to lead to an abnormal or absent protein product due to the creation of a premature termination codon in ELP1, a gene where loss-of-function variants are known to be pathogenic. Please note: this variant was assessed in the context of healthy population screening.

NM_003640.5(ELP1):c.1780A>T (p.Lys594Ter)

Gene: ELP1 (elongator acetyltransferase complex subunit 1; minus strand). Cytogenetic location: 9q31.3.
Variant type: single nucleotide variant.
Coding change: c.1780A>T on transcript NM_003640.5 (MANE Select); coding-DNA position 1780, A replaced by T.
Protein change: p.Lys594Ter; replaces lysine 594 with a stop codon.
Molecular consequence: nonsense.
Genome position (GRCh38, 1-based): chr9:108,902,913, T>A on the plus strand (A>T on the coding strand, the complement: ELP1 is on the minus strand). VCF-style: chr9-108902913-T-A. GRCh37 (hg19) VCF-style: chr9-111665193-T-A.
Other names: c.1438A>T, p.Lys480Ter (NM_001318360.2); c.733A>T, p.Lys245Ter (NM_001330749.2); short protein forms K245*, K480*, K594*.
Identifiers: ClinVar variation 1726909 (VCV001726909.2), dbSNP rs2537905821, ClinGen allele CA374425821.